The following is an entry in ClinVar:

NM_001376.5(DYNC1H1):c.11461-3C>T

Gene: DYNC1H1 (dynein cytoplasmic 1 heavy chain 1; plus strand). Cytogenetic location: 14q32.31.
Variant type: single nucleotide variant.
Coding change: c.11461-3C>T on transcript NM_001376.5 (MANE Select); 3 bases into the intron before coding-DNA position 11461, C replaced by T.
Molecular consequence: intron variant.
Genome position (GRCh38, 1-based): chr14:102,039,409, C>T. VCF-style: chr14-102039409-C-T. GRCh37 (hg19) VCF-style: chr14-102505746-C-T.
Other names: c.11461-3C>T (NM_001376.4).
Identifiers: ClinVar variation 1204571 (VCV001204571.13), dbSNP rs776752310, ClinGen allele CA7353624.

ClinVar aggregate classification (germline): Likely benign. Review status: criteria provided, multiple submitters, no conflicts (2 of 4 stars). 3 submissions from 3 submitters: Likely benign (2). 1 of the submissions does not count toward it. Last evaluated 2024-03-04.

Conditions:
Charcot-Marie-Tooth disease axonal type 2O. Also called: CHARCOT-MARIE-TOOTH NEUROPATHY, AXONAL, TYPE 2O; CHARCOT-MARIE-TOOTH DISEASE, AXONAL, AUTOSOMAL DOMINANT, TYPE 2O; Charcot-Marie-Tooth disease, axonal, type 20; Charcot-Marie-Tooth Neuropathy Type 2O. Identifiers: Orphanet 284232, MedGen C3280220, MONDO:0013644, OMIM 614228.
DYNC1H1-related disorder. Also called: DYNC1H1-related disorders; DYNC1H1-related condition. Identifiers: MedGen CN381529.

Allele frequency attached by ClinVar (database versions not stated): ExAC 0.00001; gnomAD exomes 0.00001 and 0.00002; TOPMed 0.00001.
gnomAD v4.1: 6 of 1,614,254 alleles (0.00037%); highest among the groups gnomAD compares: Admixed American, 0.0083%; no homozygotes.

Submissions (3):

Labcorp Genetics (formerly Invitae), Labcorp
Classification: Likely benign for Charcot-Marie-Tooth disease axonal type 2O. Last evaluated: 2024-03-04. Review status: criteria provided, single submitter. Criteria: Invitae Variant Classification Sherloc (09022015). Collection method: clinical testing. Allele origin: germline.

GeneDx
Classification: Likely benign. Last evaluated: 2019-10-23. Review status: criteria provided, single submitter. Criteria: GeneDx Variant Classification Process June 2021. Collection method: clinical testing. Allele origin: germline. Affected: yes.

PreventionGenetics, part of Exact Sciences
Classification: Likely benign for DYNC1H1-related condition. Last evaluated: 2019-08-19. Review status: no assertion criteria provided. Collection method: clinical testing. Allele origin: germline. Not counted in ClinVar's aggregate classification.
Comment: This variant is classified as likely benign based on ACMG/AMP sequence variant interpretation guidelines (Richards et al. 2015 PMID: 25741868, with internal and published modifications).